The following is an entry in ClinVar:

NM_000061.3(BTK):c.1921C>T (p.Arg641Cys)

Gene: BTK (Bruton tyrosine kinase; minus strand). Cytogenetic location: Xq22.1.
Variant type: single nucleotide variant.
Coding change: c.1921C>T on transcript NM_000061.3 (MANE Select); coding-DNA position 1921, C replaced by T.
Protein change: p.Arg641Cys; replaces arginine 641 with cysteine.
Molecular consequence: missense variant.
Genome position (GRCh38, 1-based): chrX:101,349,944, G>A on the plus strand (C>T on the coding strand, the complement: BTK is on the minus strand). VCF-style: chrX-101349944-G-A. GRCh37 (hg19) VCF-style: chrX-100604932-G-A.
Other names: c.2023C>T, p.Arg675Cys (NM_001287344.2); c.1393C>T, p.Arg465Cys (NM_001287345.2); short protein forms R641C, R465C, R675C.
Identifiers: ClinVar variation 2737282 (VCV002737282.4), dbSNP rs2147419990, ClinGen allele CA413917743.

ClinVar aggregate classification (germline): Pathogenic/Likely pathogenic. Review status: criteria provided, multiple submitters, no conflicts (2 of 4 stars). 2 submissions from 2 submitters: Pathogenic (1); Likely pathogenic (1). Last evaluated 2024-08-31.

Conditions:
X-linked agammaglobulinemia with growth hormone deficiency (IGHD3). Also called: ISOLATED GROWTH HORMONE DEFICIENCY, TYPE III, WITH AGAMMAGLOBULINEMIA; AGAMMAGLOBULINEMIA AND ISOLATED GROWTH HORMONE DEFICIENCY, X-LINKED; Isolated growth hormone deficiency type 3; Growth hormone deficiency with hypogammaglobulinemia; FLEISHER SYNDROME; HYPOGAMMAGLOBULINEMIA AND ISOLATED GROWTH HORMONE DEFICIENCY, X-LINKED. Identifiers: Orphanet 231692, Orphanet 631, MedGen C0472813, MONDO:0010615, OMIM 307200.
BTK-related disorder. Also called: BTK-related condition.

Allele frequency attached by ClinVar (database versions not stated): gnomAD exomes below 0.00001.
gnomAD v4.1: 1 of 1,204,721 alleles (0.000083%); highest among the groups gnomAD compares: Non-Finnish European, 0.00011%; no homozygotes.

Submissions (2):

Labcorp Genetics (formerly Invitae), Labcorp
Classification: Pathogenic for X-linked agammaglobulinemia with growth hormone deficiency. Last evaluated: 2024-08-31. Review status: criteria provided, single submitter. Criteria: Invitae Variant Classification Sherloc (09022015). Collection method: clinical testing. Allele origin: germline.
Comment: This sequence change replaces arginine, which is basic and polar, with cysteine, which is neutral and slightly polar, at codon 641 of the BTK protein (p.Arg641Cys). This variant is not present in population databases (gnomAD no frequency). This missense change has been observed in individuals with agammaglobulinemia (PMID: 7633429, 10737994, 32477911, 33013854). This variant is also known as c.2053C>T. Invitae Evidence Modeling of protein sequence and biophysical properties (such as structural, functional, and spatial information, amino acid conservation, physicochemical variation, residue mobility, and thermodynamic stability) indicates that this missense variant is expected to disrupt BTK protein function with a positive predictive value of 80%. Algorithms developed to predict the effect of sequence changes on RNA splicing suggest that this variant may disrupt the consensus splice site. This variant disrupts the p.Arg641 amino acid residue in BTK. Other variant(s) that disrupt this residue have been determined to be pathogenic (PMID: 7633420, 17765309). This suggests that this residue is clinically significant, and that variants that disrupt this residue are likely to be disease-causing. For these reasons, this variant has been classified as Pathogenic.

Blueprint Genetics
Classification: Likely pathogenic for BTK-related disorders. Last evaluated: 2020-04-28. Review status: criteria provided, single submitter. Criteria: ACMG Guidelines, 2015. Collection method: clinical testing. Allele origin: germline. Affected: yes. Observed: 2 variant alleles.

Literature cited by the submitters: PubMed 7633429 (cited by Labcorp Genetics (formerly Invitae), Labcorp); PubMed 10737994 (cited by Labcorp Genetics (formerly Invitae), Labcorp); PubMed 32477911 (cited by Labcorp Genetics (formerly Invitae), Labcorp); PubMed 33013854 (cited by Labcorp Genetics (formerly Invitae), Labcorp); PubMed 7633420 (cited by Labcorp Genetics (formerly Invitae), Labcorp); PubMed 17765309 (cited by Labcorp Genetics (formerly Invitae), Labcorp).